The following is an entry in ClinVar:

ClinVar aggregate classification (germline): Likely benign (1 of 4 stars; one submission).

Submission:

GeneDx
Classification: Likely benign. Last evaluated: 2017-06-26. Review status: criteria provided, single submitter. Criteria: GeneDx Variant Classification (06012015). Collection method: clinical testing. Allele origin: germline. Affected: yes.
Comment: This variant is considered likely benign or benign based on one or more of the following criteria: it is a conservative change, it occurs at a poorly conserved position in the protein, it is predicted to be benign by multiple in silico algorithms, and/or has population frequency not consistent with disease.

NM_002474.3(MYH11):c.-18+20C>T

Gene: MYH11 (myosin heavy chain 11; minus strand). Cytogenetic location: 16p13.11.
Variant type: single nucleotide variant.
Coding change: c.-18+20C>T on transcript NM_002474.3 (MANE Select); 20 bases into the intron after 18 bases upstream of the start codon, C replaced by T.
Molecular consequence: intron variant.
Genome position (GRCh38, 1-based): chr16:15,856,921, G>A on the plus strand (C>T on the coding strand, the complement: MYH11 is on the minus strand). VCF-style: chr16-15856921-G-A. GRCh37 (hg19) VCF-style: chr16-15950778-G-A.
Other names: c.-18+20C>T (NM_022844.3, NM_001040114.2, NM_001040113.2).
Identifiers: ClinVar variation 510512 (VCV000510512.1), dbSNP rs1555461897, ClinGen allele CA658798556.